The following is an entry in ClinVar:

NM_015072.5(TTLL5):c.1235A>T (p.Tyr412Phe)

Gene: TTLL5 (tubulin tyrosine ligase like 5; plus strand). Cytogenetic location: 14q24.3.
Variant type: single nucleotide variant.
Coding change: c.1235A>T on transcript NM_015072.5 (MANE Select); coding-DNA position 1235, A replaced by T.
Protein change: p.Tyr412Phe; replaces tyrosine 412 with phenylalanine.
Molecular consequence: missense variant.
Genome position (GRCh38, 1-based): chr14:75,735,243, A>T. VCF-style: chr14-75735243-A-T. GRCh37 (hg19) VCF-style: chr14-76201586-A-T.
Other names: short protein forms Y412F.
Identifiers: ClinVar variation 1386492 (VCV001386492.6), dbSNP rs757710361, ClinGen allele CA7279295.

ClinVar aggregate classification (germline): Uncertain significance (1 of 4 stars; one submission).

Allele frequency attached by ClinVar (database versions not stated): TOPMed 0.00001; gnomAD 0.00001.
gnomAD v4.1: 11 of 1,614,086 alleles (0.00068%); highest among the groups gnomAD compares: Admixed American, 0.005%; no homozygotes.

Submission:

Labcorp Genetics (formerly Invitae), Labcorp
Classification: Uncertain significance. Last evaluated: 2024-01-08. Review status: criteria provided, single submitter. Criteria: Invitae Variant Classification Sherloc (09022015). Collection method: clinical testing. Allele origin: germline.
Comment: This sequence change replaces tyrosine, which is neutral and polar, with phenylalanine, which is neutral and non-polar, at codon 412 of the TTLL5 protein (p.Tyr412Phe). This variant is present in population databases (rs757710361, gnomAD 0.003%). This variant has not been reported in the literature in individuals affected with TTLL5-related conditions. ClinVar contains an entry for this variant (Variation ID: 1386492). Advanced modeling of protein sequence and biophysical properties (such as structural, functional, and spatial information, amino acid conservation, physicochemical variation, residue mobility, and thermodynamic stability) performed at Invitae indicates that this missense variant is not expected to disrupt TTLL5 protein function with a negative predictive value of 80%. In summary, the available evidence is currently insufficient to determine the role of this variant in disease. Therefore, it has been classified as a Variant of Uncertain Significance.